The following is an entry in ClinVar:

ClinVar aggregate classification (germline): Uncertain significance. Review status: criteria provided, multiple submitters, no conflicts (2 of 4 stars). 2 submissions from 2 submitters: Uncertain significance (2). Last evaluated 2024-09-30.

Conditions:
Charcot-Marie-Tooth disease type 2. Also called: Charcot-Marie-Tooth type 2. Identifiers: Orphanet 64746, MedGen C0270914, MONDO:0018993.

Allele frequency attached by ClinVar (database versions not stated): gnomAD exomes 0.00001; gnomAD 0.00002; TOPMed 0.00002.
gnomAD v4.1: 15 of 1,614,054 alleles (0.00093%); highest among the groups gnomAD compares: Non-Finnish European, 0.0013%; no homozygotes.

Submissions (2):

Blueprint Genetics
Classification: Uncertain significance. Last evaluated: 2024-09-30. Review status: criteria provided, single submitter. Criteria: ACMG Guidelines, 2015. Collection method: clinical testing. Allele origin: germline.

Labcorp Genetics (formerly Invitae), Labcorp
Classification: Uncertain significance for Charcot-Marie-Tooth disease type 2. Last evaluated: 2024-07-04. Review status: criteria provided, single submitter. Criteria: Invitae Variant Classification Sherloc (09022015). Collection method: clinical testing. Allele origin: germline.
Comment: This sequence change replaces leucine, which is neutral and non-polar, with valine, which is neutral and non-polar, at codon 552 of the MFN2 protein (p.Leu552Val). This variant is not present in population databases (gnomAD no frequency). This variant has not been reported in the literature in individuals affected with MFN2-related conditions. ClinVar contains an entry for this variant (Variation ID: 2166634). Advanced modeling of protein sequence and biophysical properties (such as structural, functional, and spatial information, amino acid conservation, physicochemical variation, residue mobility, and thermodynamic stability) performed at Invitae indicates that this missense variant is expected to disrupt MFN2 protein function with a positive predictive value of 95%. In summary, the available evidence is currently insufficient to determine the role of this variant in disease. Therefore, it has been classified as a Variant of Uncertain Significance.

NM_014874.4(MFN2):c.1654C>G (p.Leu552Val)

Genes: MFN2 (mitofusin 2; plus strand), LOC129929426 (ATAC-STARR-seq lymphoblastoid active region 185; plus strand). Cytogenetic location: 1p36.22.
Variant type: single nucleotide variant.
Coding change: c.1654C>G on transcript NM_014874.4 (MANE Select); coding-DNA position 1654, C replaced by G.
Protein change: p.Leu552Val; replaces leucine 552 with valine.
Molecular consequence: missense variant.
Genome position (GRCh38, 1-based): chr1:12,005,869, C>G. VCF-style: chr1-12005869-C-G. GRCh37 (hg19) VCF-style: chr1-12065926-C-G.
Other names: c.1654C>G, p.Leu552Val (NM_001127660.2); short protein forms L552V.
Identifiers: ClinVar variation 2166634 (VCV002166634.5), dbSNP rs888340216, ClinGen allele CA18012336.